The following continues an entry in ClinVar:

NM_001613.4(ACTA2):c.445C>T (p.Arg149Cys)

Gene: ACTA2. ClinVar aggregate classification (germline): Pathogenic. Pathogenic (12).

Submissions 10 to 16 of 16:

All of Us Research Program, National Institutes of Health
Classification: Pathogenic for Familial thoracic aortic aneurysm and aortic dissection. Last evaluated: 2023-11-07. Review status: criteria provided, single submitter. Criteria: ACMG Guidelines, 2015. Collection method: clinical testing. Allele origin: germline. Inheritance: Autosomal dominant inheritance. Observed: 1 variant allele, 1 heterozygote.
Comment: The c.445C>T (p.Arg149Cys) variant of the ACTA2 gene has been observed in individuals with thoracic aortic aneurysms and dissections, premature coronary artery disease, premature stroke, and livedo reticularis (PMID: 17994018, 19409525, 21212136, 21248741, 24020716, 25644172). It has also been observed to segregate with disease in related individuals (PMID: 17994018, 19409525, 21212136). This variant is rare in the general population according to gnomAD (1/278732). Computational evidence supports a deleterious effect on the gene or gene product. Therefore, the c.445C>T (p.Arg149Cys) variant of the ACTA2 gene is classified as pathogenic.

This study involves interpretation of variants in research participants for the purpose of population health screening. Participant phenotype was not available at the time of variant classification. Additional details can be found in publication PMID: 35346344, PMCID: PMC8962531

Stanford Center for Inherited Cardiovascular Disease, Stanford University
Classification: Pathogenic. Last evaluated: 2017-01-05. Review status: criteria provided, single submitter. Criteria: ACMG Guidelines, 2015. Collection method: provider interpretation. Allele origin: germline.

Center for Human Genetics, Inc
Classification: Pathogenic for Familial thoracic aortic aneurysm and aortic dissection. Last evaluated: 2012-11-19. Review status: criteria provided, single submitter. Criteria: ACMG Guidelines, 2015. Collection method: clinical testing. Allele origin: germline. Affected: yes.

Clinical Molecular Genetics Laboratory, Johns Hopkins All Children's Hospital
Classification: Pathogenic for Aortic aneurysm, familial thoracic 2. Last evaluated: 2016-03-28. Review status: no assertion criteria provided. Collection method: clinical testing. Allele origin: germline. Affected: yes. Not counted in ClinVar's aggregate classification.

OMIM
Classification: Pathogenic for AORTIC ANEURYSM, FAMILIAL THORACIC 6. Last evaluated: 2009-05-01. Review status: no assertion criteria provided. Collection method: literature only. Allele origin: germline. Not counted in ClinVar's aggregate classification.

Clinical Genetics DNA and cytogenetics Diagnostics Lab, Erasmus MC, Erasmus Medical Center
Classification: Likely pathogenic. Review status: no assertion criteria provided. Collection method: clinical testing. Allele origin: germline. Affected: yes. Study: VKGL Data-share Consensus. Not counted in ClinVar's aggregate classification.

Genome Diagnostics Laboratory, Amsterdam University Medical Center
Classification: Pathogenic. Review status: no assertion criteria provided. Collection method: clinical testing. Allele origin: germline. Affected: yes. Study: VKGL Data-share Consensus. Not counted in ClinVar's aggregate classification.

Literature cited by the submitters: PubMed 19639654 (cited by 3 submitters); PubMed 24020716 (cited by 4 submitters); PubMed 17994018 (cited by 5 submitters); PubMed 19409525 (cited by 6 submitters); PubMed 21212136 (cited by 4 submitters); PubMed 21248741 (cited by 3 submitters); PubMed 25644172 (cited by 3 submitters); PubMed 29907982 (cited by Ambry Genetics and Color Diagnostics, LLC DBA Color Health); PubMed 19778989 (cited by Color Diagnostics, LLC DBA Color Health); PubMed 24243736 (cited by Color Diagnostics, LLC DBA Color Health); PubMed 29055370 (cited by Color Diagnostics, LLC DBA Color Health); PubMed 30071990 (cited by Color Diagnostics, LLC DBA Color Health); PubMed 30739908 (cited by Color Diagnostics, LLC DBA Color Health); PubMed 31911781 (cited by Color Diagnostics, LLC DBA Color Health); PubMed 34600884 (cited by Color Diagnostics, LLC DBA Color Health); PubMed 34688429 (cited by Color Diagnostics, LLC DBA Color Health); PubMed 36053285 (cited by Color Diagnostics, LLC DBA Color Health); PubMed 37042257 (cited by Color Diagnostics, LLC DBA Color Health); PubMed 37298565 (cited by Color Diagnostics, LLC DBA Color Health).